The following is an entry in ClinVar:

NM_005142.3(CBLIF):c.311G>A (p.Arg104Gln)

Gene: CBLIF (cobalamin binding intrinsic factor; minus strand). Cytogenetic location: 11q12.1.
Variant type: single nucleotide variant.
Coding change: c.311G>A on transcript NM_005142.3 (MANE Select); coding-DNA position 311, G replaced by A.
Protein change: p.Arg104Gln; replaces arginine 104 with glutamine.
Molecular consequence: missense variant.
Genome position (GRCh38, 1-based): chr11:59,843,087, C>T on the plus strand (G>A on the coding strand, the complement: CBLIF is on the minus strand). VCF-style: chr11-59843087-C-T. GRCh37 (hg19) VCF-style: chr11-59610560-C-T.
Other names: c.311G>A (NM_005142.2); short protein forms R104Q.
Identifiers: ClinVar variation 2044552 (VCV002044552.2), dbSNP rs150639344, ClinGen allele CA6021612.

ClinVar aggregate classification (germline): Uncertain significance. Review status: criteria provided, multiple submitters, no conflicts (2 of 4 stars). 2 submissions from 2 submitters: Uncertain significance (2). Last evaluated 2025-10-23.

Conditions:
Hereditary intrinsic factor deficiency (IFD). Also called: Congenital intrinsic factor deficiency; PERNICIOUS ANEMIA, CONGENITAL, DUE TO DEFECT OF INTRINSIC FACTOR. Identifiers: Orphanet 332, MedGen C2062370, MONDO:0009852, OMIM 261000.

Allele frequency attached by ClinVar (database versions not stated): ExAC 0.00002; gnomAD 0.00002; gnomAD exomes 0.00003; TOPMed 0.00005; ESP Exome Variant Server 0.00008.
gnomAD v4.1: 52 of 1,613,784 alleles (0.0032%); highest among the groups gnomAD compares: Non-Finnish European, 0.004%; no homozygotes.

Submissions (2):

Ambry Genetics
Classification: Uncertain significance. Last evaluated: 2025-10-23. Review status: criteria provided, single submitter. Criteria: Ambry Variant Classification Scheme 2023. Collection method: clinical testing. Allele origin: germline.

Labcorp Genetics (formerly Invitae), Labcorp
Classification: Uncertain significance for Hereditary intrinsic factor deficiency. Last evaluated: 2022-05-02. Review status: criteria provided, single submitter. Criteria: Invitae Variant Classification Sherloc (09022015). Collection method: clinical testing. Allele origin: germline.
Comment: This sequence change replaces arginine, which is basic and polar, with glutamine, which is neutral and polar, at codon 104 of the GIF protein (p.Arg104Gln). This variant is present in population databases (rs150639344, gnomAD 0.005%). This variant has not been reported in the literature in individuals affected with GIF-related conditions. Algorithms developed to predict the effect of missense changes on protein structure and function output the following: SIFT: "Tolerated"; PolyPhen-2: "Benign"; Align-GVGD: "Class C0". The glutamine amino acid residue is found in multiple mammalian species, which suggests that this missense change does not adversely affect protein function. In summary, the available evidence is currently insufficient to determine the role of this variant in disease. Therefore, it has been classified as a Variant of Uncertain Significance.